The following is an entry in ClinVar:

NM_001371986.1(UNC80):c.765T>C (p.Cys255=)

Gene: UNC80 (unc-80 subunit of NALCN channel complex; plus strand). Cytogenetic location: 2q34.
Variant type: single nucleotide variant.
Coding change: c.765T>C on transcript NM_001371986.1 (MANE Select); coding-DNA position 765, T replaced by C.
Protein change: p.Cys255=; no amino-acid change (cysteine 255 retained).
Molecular consequence: synonymous variant.
Genome position (GRCh38, 1-based): chr2:209,789,572, T>C. VCF-style: chr2-209789572-T-C. GRCh37 (hg19) VCF-style: chr2-210654296-T-C.
Other names: c.765T>C, p.Cys255= (NM_032504.2, NM_182587.4).
Identifiers: ClinVar variation 773433 (VCV000773433.54), dbSNP rs145935313, ClinGen allele CA2082841.

ClinVar aggregate classification (germline): Benign/Likely benign. Review status: criteria provided, multiple submitters, no conflicts (2 of 4 stars). 5 submissions from 5 submitters: Benign (1); Likely benign (3). 1 of the submissions does not count toward it. Last evaluated 2026-01-21.

Conditions:
UNC80-related disorder. Also called: UNC80-related condition.

Allele frequency attached by ClinVar (database versions not stated): 1000 Genomes Project 0.00060; 1000 Genomes Project 30x 0.00062; gnomAD 0.00062; TOPMed 0.00076; gnomAD exomes 0.00083 and 0.00104; ExAC 0.00091; ESP Exome Variant Server 0.00154.
gnomAD v4.1: 1,363 of 1,613,506 alleles (0.084%); highest among the groups gnomAD compares: Middle Eastern, 1.8%; 7 homozygotes.

Submissions (5):

Labcorp Genetics (formerly Invitae), Labcorp
Classification: Benign. Last evaluated: 2026-01-21. Review status: criteria provided, single submitter. Criteria: Invitae Variant Classification Sherloc (09022015). Collection method: clinical testing. Allele origin: germline.

Blueprint Genetics
Classification: Likely benign. Last evaluated: 2024-11-18. Review status: criteria provided, single submitter. Criteria: ACMG Guidelines, 2015. Collection method: clinical testing. Allele origin: germline.

CeGaT Center for Human Genetics Tuebingen
Classification: Likely benign. Last evaluated: 2024-08-01. Review status: criteria provided, single submitter. Criteria: CeGaT Center For Human Genetics Tuebingen Variant Classification Criteria Version 2. Collection method: clinical testing. Allele origin: germline. Affected: yes. Observed: 5 variant alleles.
Comment: UNC80: BP4, BP7

Breakthrough Genomics
Classification: Likely benign. Review status: criteria provided, single submitter. Criteria: ACMG Guidelines, 2015. Collection method: not provided. Allele origin: germline. Inheritance: Autosomal recessive inheritance. Affected: yes.

PreventionGenetics, part of Exact Sciences
Classification: Likely benign for UNC80-related condition. Last evaluated: 2019-06-12. Review status: no assertion criteria provided. Collection method: clinical testing. Allele origin: germline. Not counted in ClinVar's aggregate classification.
Comment: This variant is classified as likely benign based on ACMG/AMP sequence variant interpretation guidelines (Richards et al. 2015 PMID: 25741868, with internal and published modifications).